The following is an entry in ClinVar:

NM_001037333.3(CYFIP2):c.2381T>C (p.Ile794Thr)

Gene: CYFIP2 (cytoplasmic FMR1 interacting protein 2; plus strand). Cytogenetic location: 5q33.3.
Variant type: single nucleotide variant.
Coding change: c.2381T>C on transcript NM_001037333.3 (MANE Select); coding-DNA position 2381, T replaced by C.
Protein change: p.Ile794Thr; replaces isoleucine 794 with threonine.
Molecular consequence: missense variant.
Genome position (GRCh38, 1-based): chr5:157,333,442, T>C. VCF-style: chr5-157333442-T-C. GRCh37 (hg19) VCF-style: chr5-156760450-T-C.
Other names: c.2303T>C, p.Ile768Thr (NM_001291721.2); c.2456T>C, p.Ile819Thr (NM_001291722.2); c.2381T>C, p.Ile794Thr (NM_014376.4); c.2381T>C (NM_001037333.1); short protein forms I819T, I768T, I794T.
Identifiers: ClinVar variation 1033691 (VCV001033691.8), dbSNP rs934692505, ClinGen allele CA130181537.

ClinVar aggregate classification (germline): Uncertain significance. Review status: criteria provided, multiple submitters, no conflicts (2 of 4 stars). 3 submissions from 3 submitters: Uncertain significance (3). Last evaluated 2025-12-11.

Conditions:
Inborn genetic diseases. Identifiers: MedGen C0950123, MeSH D030342.
Developmental and epileptic encephalopathy, 65. Also called: EPILEPTIC ENCEPHALOPATHY, EARLY INFANTILE, 65. Identifiers: MedGen C4693925, MONDO:0033374, OMIM 618008.

Allele frequency attached by ClinVar (database versions not stated): gnomAD 0.00001; gnomAD exomes 0.00001 and 0.00002.

Submissions (3):

Ambry Genetics
Classification: Uncertain significance for Inborn genetic diseases. Last evaluated: 2025-12-11. Review status: criteria provided, single submitter. Criteria: Ambry Variant Classification Scheme 2023. Collection method: clinical testing. Allele origin: germline.

Labcorp Genetics (formerly Invitae), Labcorp
Classification: Uncertain significance. Last evaluated: 2024-12-04. Review status: criteria provided, single submitter. Criteria: Invitae Variant Classification Sherloc (09022015). Collection method: clinical testing. Allele origin: germline.
Comment: This sequence change replaces isoleucine, which is neutral and non-polar, with threonine, which is neutral and polar, at codon 794 of the CYFIP2 protein (p.Ile794Thr). This variant is present in population databases (no rsID available, gnomAD 0.003%). This variant has not been reported in the literature in individuals affected with CYFIP2-related conditions. ClinVar contains an entry for this variant (Variation ID: 1033691). Experimental studies and prediction algorithms are not available or were not evaluated, and the functional significance of this variant is currently unknown. In summary, the available evidence is currently insufficient to determine the role of this variant in disease. Therefore, it has been classified as a Variant of Uncertain Significance.

Baylor Genetics
Classification: Uncertain significance for Developmental and epileptic encephalopathy, 65. Last evaluated: 2018-08-02. Review status: criteria provided, single submitter. Criteria: ACMG Guidelines, 2015. Collection method: clinical testing. Allele origin: paternal. Affected: yes.
Comment: This variant was determined to be of uncertain significance according to ACMG Guidelines, 2015 [PMID:25741868].